The following is an entry in ClinVar:

NM_139058.3(ARX):c.421G>A (p.Gly141Ser)

Genes: ARX (aristaless related homeobox; minus strand), LOC109610631 (aristaless related homeobox polyalanine expansion region; plus strand). Cytogenetic location: Xp21.3.
Variant type: single nucleotide variant.
Coding change: c.421G>A on transcript NM_139058.3 (MANE Select); coding-DNA position 421, G replaced by A.
Protein change: p.Gly141Ser; replaces glycine 141 with serine.
Molecular consequence: missense variant.
Genome position (GRCh38, 1-based): chrX:25,013,574, C>T on the plus strand (G>A on the coding strand, the complement: ARX is on the minus strand). VCF-style: chrX-25013574-C-T. GRCh37 (hg19) VCF-style: chrX-25031691-C-T.
Other names: short protein forms G141S.
Identifiers: ClinVar variation 1419440 (VCV001419440.8), dbSNP rs2048712606, ClinGen allele CA412613218.
Genomic context (GRCh38, chrX:25,013,574, plus strand): 5'-TCTTGAGCGTGTCCCAGGCCGCGGCGGCCGCGGCCGCGGCTGCCGCGGCGGCCCCTGCGC[C>T]GTCCGGCCGTTCCCCGGGCCGCGCGGTTGGCGGTGGCGGCGGAGGGGCCTCCCCGCGTGG-3'
Protein context (NP_620689.1, residues 131-151): PTARPGERPD[Gly141Ser]AGAAAAAAAA

ClinVar aggregate classification (germline): Conflicting classifications of pathogenicity. Review status: criteria provided, conflicting classifications (1 of 4 stars). 2 submissions from 2 submitters: Uncertain significance (1); Benign (1). Last evaluated 2025-08-15.

Conditions:
Inborn genetic diseases. Identifiers: MedGen C0950123, MeSH D030342.
Intellectual disability, X-linked, with or without seizures, ARX-related. Also called: MENTAL RETARDATION, X-LINKED 29; MENTAL RETARDATION, X-LINKED 32; MENTAL RETARDATION, X-LINKED 33; MENTAL RETARDATION, X-LINKED 38; MENTAL RETARDATION, X-LINKED 43; MENTAL RETARDATION, X-LINKED 76. Identifiers: Orphanet 777, MedGen C0796244, MONDO:0010317, OMIM 300419.
Developmental and epileptic encephalopathy, 1 (DEE1). Also called: INFANTILE SPASM SYNDROME, X-LINKED 1; X-linked infantile spasms; West's syndrome; Tonic spasms with clustering, arrest of psychomotor development and hypsarrhythmia on EEG; X-Linked Infantile Spasm Syndrome; OHTAHARA SYNDROME, X-LINKED. Identifiers: MedGen C3463992, MONDO:0010632, OMIM 308350. Disease mechanism: loss of function.

Allele frequency attached by ClinVar (database versions not stated): TOPMed below 0.00001.

Submissions (2):

Labcorp Genetics (formerly Invitae), Labcorp
Classification: Benign for Developmental and epileptic encephalopathy, 1; Intellectual disability, X-linked, with or without seizures, ARX-related. Last evaluated: 2025-08-15. Review status: criteria provided, single submitter. Criteria: Invitae Variant Classification Sherloc (09022015). Collection method: clinical testing. Allele origin: germline.

Ambry Genetics
Classification: Uncertain significance for Inborn genetic diseases. Last evaluated: 2020-01-10. Review status: criteria provided, single submitter. Criteria: Ambry Variant Classification Scheme 2023. Collection method: clinical testing. Allele origin: germline.
Comment: The p.G141S variant (also known as c.421G>A), located in coding exon 2 of the ARX gene, results from a G to A substitution at nucleotide position 421. The glycine at codon 141 is replaced by serine, an amino acid with similar properties. This amino acid position is well conserved in available vertebrate species; however, serine is the reference amino acid in other vertebrate species. In addition, this alteration is predicted to be tolerated by in silico analysis. Since supporting evidence is limited at this time, the clinical significance of this alteration remains unclear.